The following is an entry in ClinVar:

ClinVar aggregate classification (germline): Uncertain significance (1 of 4 stars; one submission).

Allele frequency attached by ClinVar (database versions not stated): gnomAD 0.00001.
gnomAD v4.1: 35 of 1,464,246 alleles (0.0024%); highest among the groups gnomAD compares: Non-Finnish European, 0.0031%; no homozygotes.

Submission:

Labcorp Genetics (formerly Invitae), Labcorp
Classification: Uncertain significance. Last evaluated: 2025-03-03. Review status: criteria provided, single submitter. Criteria: Invitae Variant Classification Sherloc (09022015). Collection method: clinical testing. Allele origin: germline.
Comment: This sequence change replaces leucine, which is neutral and non-polar, with proline, which is neutral and non-polar, at codon 333 of the SAMD11 protein (p.Leu333Pro). The frequency data for this variant in the population databases is considered unreliable, as metrics indicate poor data quality at this position in the gnomAD database. This variant has not been reported in the literature in individuals affected with SAMD11-related conditions. ClinVar contains an entry for this variant (Variation ID: 1510751). An algorithm developed to predict the effect of missense changes on protein structure and function (PolyPhen-2) suggests that this variant is likely to be disruptive. In summary, the available evidence is currently insufficient to determine the role of this variant in disease. Therefore, it has been classified as a Variant of Uncertain Significance.

NM_001385641.1(SAMD11):c.1487T>C (p.Leu496Pro)

Gene: SAMD11 (sterile alpha motif domain containing 11; plus strand). Cytogenetic location: 1p36.33.
Variant type: single nucleotide variant.
Coding change: c.1487T>C on transcript NM_001385641.1 (MANE Select); coding-DNA position 1487, T replaced by C.
Protein change: p.Leu496Pro; replaces leucine 496 with proline.
Molecular consequence: missense variant.
Genome position (GRCh38, 1-based): chr1:942,422, T>C. VCF-style: chr1-942422-T-C. GRCh37 (hg19) VCF-style: chr1-877802-T-C.
Other names: c.1490T>C, p.Leu497Pro (NM_001385640.1); c.998T>C, p.Leu333Pro (NM_152486.4); short protein forms L496P, L333P, L497P.
Identifiers: ClinVar variation 1510751 (VCV001510751.8), dbSNP rs1438127670, ClinGen allele CA337807261.